The following is an entry in ClinVar:

ClinVar aggregate classification (germline): Uncertain significance. Review status: criteria provided, multiple submitters, no conflicts (2 of 4 stars). 2 submissions from 2 submitters: Uncertain significance (2). Last evaluated 2024-07-09.

Conditions:
Inborn genetic diseases. Identifiers: MedGen C0950123, MeSH D030342.

gnomAD v4.1: 8 of 1,613,940 alleles (0.0005%); highest among the groups gnomAD compares: Non-Finnish European, 0.00068%; no homozygotes.

Submissions (2):

Ambry Genetics
Classification: Uncertain significance for Inborn genetic diseases. Last evaluated: 2024-07-09. Review status: criteria provided, single submitter. Criteria: Ambry Variant Classification Scheme 2023. Collection method: clinical testing. Allele origin: germline.

Labcorp Genetics (formerly Invitae), Labcorp
Classification: Uncertain significance. Last evaluated: 2024-05-07. Review status: criteria provided, single submitter. Criteria: Invitae Variant Classification Sherloc (09022015). Collection method: clinical testing. Allele origin: germline.
Comment: This sequence change replaces serine, which is neutral and polar, with cysteine, which is neutral and slightly polar, at codon 851 of the AGBL5 protein (p.Ser851Cys). This variant is present in population databases (rs751700272, gnomAD 0.002%). This variant has not been reported in the literature in individuals affected with AGBL5-related conditions. An algorithm developed to predict the effect of missense changes on protein structure and function (PolyPhen-2) suggests that this variant is likely to be tolerated. In summary, the available evidence is currently insufficient to determine the role of this variant in disease. Therefore, it has been classified as a Variant of Uncertain Significance.

NM_021831.6(AGBL5):c.2551A>T (p.Ser851Cys)

Gene: AGBL5 (AGBL carboxypeptidase 5; plus strand). Cytogenetic location: 2p23.3.
Variant type: single nucleotide variant.
Coding change: c.2551A>T on transcript NM_021831.6 (MANE Select); coding-DNA position 2551, A replaced by T.
Protein change: p.Ser851Cys; replaces serine 851 with cysteine.
Molecular consequence: missense variant. On other transcripts: non-coding transcript variant (2).
Genome position (GRCh38, 1-based): chr2:27,070,153, A>T. VCF-style: chr2-27070153-A-T. GRCh37 (hg19) VCF-style: chr2-27293021-A-T.
Other names: short protein forms S851C.
Identifiers: ClinVar variation 3506318 (VCV003506318.3).
Genomic context (GRCh38, chr2:27,070,153, plus strand): 5'-CTGCCTCAGGCCAGGCCCCCACGGCCCCGCTCTGCCCCTGCCTTTTCTCCTATATCCTGT[A>T]GTCTATCTGACTCCCCATCCTGGAATTGTTACAGCAGGGGTCCCTTGGGCCAACCTGAGG-3'
Protein context (NP_068603.4, residues 841-861): SAPAFSPISC[Ser851Cys]LSDSPSWNCY